The following is an entry in ClinVar:

ClinVar aggregate classification (germline): Pathogenic (1 of 4 stars; one submission).

Conditions:
Hereditary factor XI deficiency disease. Also called: PLASMA THROMBOPLASTIN ANTECEDENT DEFICIENCY; PTA DEFICIENCY; ROSENTHAL SYNDROME; Congenital factor XI deficiency. Identifiers: Orphanet 329, MedGen C0015523, MeSH D005173, MONDO:0012897, OMIM 612416.

Submission:

Myriad Genetics, Inc.
Classification: Pathogenic for Hereditary factor XI deficiency disease. Last evaluated: 2026-01-06. Review status: criteria provided, single submitter. Criteria: Myriad Autosomal Dominant, Autosomal Recessive and X-Linked Classification Criteria (2023). Collection method: clinical testing. Allele origin: unknown.
Comment: NM_000128.3(F11):c.270delT(N90Kfs*18) is expected to be pathogenic in the context of factor XI deficiency. This variant is predicted to lead to an abnormal or absent protein product due to the creation of a premature termination codon in F11, a gene where loss-of-function variants are known to be pathogenic. Please note: this variant was assessed in the context of healthy population screening.

NM_000128.4(F11):c.270del (p.Asn90fs)

Gene: F11 (coagulation factor XI; plus strand). Cytogenetic location: 4q35.2.
Variant type: Deletion.
Coding change: c.270del on transcript NM_000128.4 (MANE Select); coding-DNA position 270, one base deleted (T; older notation c.270delT).
Protein change: p.Asn90fs; shifts the reading frame from asparagine 90.
Molecular consequence: frameshift variant.
Genome position (GRCh38, 1-based): chr4:186,273,122, T deleted. VCF-style (leftmost placement, unchanged base first): chr4-186273121-AT-A. GRCh37 (hg19) VCF-style: chr4-187194275-AT-A.
Other names: c.270del, p.Asn90fs (NM_001354804.2, NM_001440590.1, NM_001440593.1 and 5 more transcripts); short protein forms N90fs.
Identifiers: ClinVar variation 5015393 (VCV005015393.1).